The following is an entry in ClinVar:

NM_017514.5(PLXNA3):c.4656C>A (p.Ile1552=)

Gene: PLXNA3 (plexin A3; plus strand). Cytogenetic location: Xq28.
Variant type: single nucleotide variant.
Coding change: c.4656C>A on transcript NM_017514.5 (MANE Select); coding-DNA position 4656, C replaced by A.
Protein change: p.Ile1552=; no amino-acid change (isoleucine 1552 retained).
Molecular consequence: synonymous variant.
Genome position (GRCh38, 1-based): chrX:154,469,440, C>A. VCF-style: chrX-154469440-C-A. GRCh37 (hg19) VCF-style: chrX-153697783-C-A.
Identifiers: ClinVar variation 3355993 (VCV003355993.1).

ClinVar aggregate classification (germline): Likely benign (0 of 4 stars; one submission).

Conditions:
PLXNA3-related disorder. Also called: PLXNA3-related condition.

Submission:

PreventionGenetics, part of Exact Sciences
Classification: Likely benign for PLXNA3-related condition. Last evaluated: 2023-12-27. Review status: no assertion criteria provided. Collection method: clinical testing. Allele origin: germline.
Comment: This variant is classified as likely benign based on ACMG/AMP sequence variant interpretation guidelines (Richards et al. 2015 PMID: 25741868, with internal and published modifications).